The following is an entry in ClinVar:

ClinVar aggregate classification (germline): Uncertain significance (1 of 4 stars; one submission).

Conditions:
Cardiovascular phenotype. Identifiers: MedGen CN230736.

Submission:

Ambry Genetics
Classification: Uncertain significance for Cardiovascular phenotype. Last evaluated: 2025-07-03. Review status: criteria provided, single submitter. Criteria: Ambry Variant Classification Scheme 2023. Collection method: clinical testing. Allele origin: germline.
Comment: The p.N2512S variant (also known as c.7535A>G), located in coding exon 2 of the ZNF469 gene, results from an A to G substitution at nucleotide position 7535. The asparagine at codon 2512 is replaced by serine, an amino acid with highly similar properties. This amino acid position is conserved. In addition, this alteration is predicted to be tolerated by in silico analysis. Based on the available evidence, the clinical significance of this variant remains unclear.

NM_001127464.1:c.7535A>G

Gene: ZNF469 (zinc finger protein 469; plus strand).
Variant type: single nucleotide variant.
Identifiers: ClinVar variation 4209156 (VCV004209156.1).